The following is an entry in ClinVar:

NM_130468.4(CHST14):c.198C>G (p.Ala66=)

Gene: CHST14 (carbohydrate sulfotransferase 14; plus strand). Cytogenetic location: 15q15.1.
Variant type: single nucleotide variant.
Coding change: c.198C>G on transcript NM_130468.4 (MANE Select); coding-DNA position 198, C replaced by G.
Protein change: p.Ala66=; no amino-acid change (alanine 66 retained).
Molecular consequence: synonymous variant.
Genome position (GRCh38, 1-based): chr15:40,471,411, C>G. VCF-style: chr15-40471411-C-G. GRCh37 (hg19) VCF-style: chr15-40763610-C-G.
Other names: p.Ala66=.
Identifiers: ClinVar variation 499908 (VCV000499908.16), dbSNP rs1014902072, ClinGen allele CA268822190.
Genomic context (GRCh38, chr15:40,471,411, plus strand): 5'-GTTTGCGGTGATCGTGGCCTCCAGCGGGCTGCTGCTCATGATCGAGCGGGGCATCCTGGC[C>G]GAGATGAAGCCCCTGCCCCTGCACCCGCCCGGCCGCGAGGGCACAGCCTGGCGCGGGAAA-3'
Protein context (NP_569735.1, residues 56-76): LLLMIERGIL[Ala66=]EMKPLPLHPP

ClinVar aggregate classification (germline): Conflicting classifications of pathogenicity. Review status: criteria provided, conflicting classifications (1 of 4 stars). 4 submissions from 4 submitters: Uncertain significance (1); Likely benign (3). Last evaluated 2025-03-25.

Conditions:
Cardiovascular phenotype. Identifiers: MedGen CN230736.
Ehlers-Danlos syndrome, musculocontractural type (EDSMC). Also called: Adducted thumb, clubfoot, progressive joint and skin laxity syndrome; ADDUCTED THUMB-CLUBFOOT SYNDROME; ARTHROGRYPOSIS, DISTAL, WITH PECULIAR FACIES AND HYDRONEPHROSIS; DUNDAR SYNDROME. Identifiers: Orphanet 2953, MedGen C1866294, MONDO:0011142.

Allele frequency attached by ClinVar (database versions not stated): gnomAD exomes below 0.00001; gnomAD 0.00001; TOPMed 0.00002.
gnomAD v4.1: 2 of 1,557,736 alleles (0.00013%); highest among the groups gnomAD compares: African/African-American, 0.0027%; no homozygotes.

Submissions (4):

Mayo Clinic Laboratories, Mayo Clinic
Classification: Likely benign. Last evaluated: 2025-03-25. Review status: criteria provided, single submitter. Criteria: ACMG Guidelines, 2015. Collection method: clinical testing. Allele origin: germline. Observed: 1 variant allele.
Comment: BP4, BP7, PM2_supporting

Labcorp Genetics (formerly Invitae), Labcorp
Classification: Likely benign for Ehlers-Danlos syndrome, musculocontractural type. Last evaluated: 2023-05-15. Review status: criteria provided, single submitter. Criteria: Invitae Variant Classification Sherloc (09022015). Collection method: clinical testing. Allele origin: germline.

Ambry Genetics
Classification: Likely benign for Cardiovascular phenotype. Last evaluated: 2022-06-14. Review status: criteria provided, single submitter. Criteria: Ambry Variant Classification Scheme 2023. Collection method: clinical testing. Allele origin: germline.

Eurofins Ntd Llc (ga)
Classification: Uncertain significance. Last evaluated: 2017-01-26. Review status: criteria provided, single submitter. Criteria: EGL Classification Definitions 2015. Collection method: clinical testing. Allele origin: germline. Observed: 1 variant allele, 1 heterozygote.